The following is an entry in ClinVar:

ClinVar aggregate classification (germline): Uncertain significance (1 of 4 stars; one submission).

Conditions:
Spastic ataxia 2. Also called: Ataxia, spastic, 2, autosomal recessive. Identifiers: Orphanet 397946, MedGen C1969796, MONDO:0012651, OMIM 611302.

gnomAD v4.1: 7 of 1,550,412 alleles (0.00045%); highest among the groups gnomAD compares: South Asian, 0.0073%; no homozygotes.

Submission:

Labcorp Genetics (formerly Invitae), Labcorp
Classification: Uncertain significance for Spastic ataxia 2. Last evaluated: 2022-10-04. Review status: criteria provided, single submitter. Criteria: Invitae Variant Classification Sherloc (09022015). Collection method: clinical testing. Allele origin: germline.
Comment: This variant is present in population databases (rs757104315, gnomAD 0.01%). In summary, the available evidence is currently insufficient to determine the role of this variant in disease. Therefore, it has been classified as a Variant of Uncertain Significance. Algorithms developed to predict the effect of missense changes on protein structure and function are either unavailable or do not agree on the potential impact of this missense change (SIFT: "Deleterious"; PolyPhen-2: "Benign"; Align-GVGD: "Class C0"). This variant has not been reported in the literature in individuals affected with KIF1C-related conditions. This sequence change replaces glycine, which is neutral and non-polar, with arginine, which is basic and polar, at codon 960 of the KIF1C protein (p.Gly960Arg).

NM_006612.6(KIF1C):c.2878G>C (p.Gly960Arg)

Gene: KIF1C (kinesin family member 1C; plus strand). Cytogenetic location: 17p13.2.
Variant type: single nucleotide variant.
Coding change: c.2878G>C on transcript NM_006612.6 (MANE Select); coding-DNA position 2878, G replaced by C.
Protein change: p.Gly960Arg; replaces glycine 960 with arginine.
Molecular consequence: missense variant.
Genome position (GRCh38, 1-based): chr17:5,023,717, G>C. VCF-style: chr17-5023717-G-C. GRCh37 (hg19) VCF-style: chr17-4927012-G-C.
Other names: short protein forms G960R.
Identifiers: ClinVar variation 2140851 (VCV002140851.4), dbSNP rs757104315, ClinGen allele CA8319418.
Genomic context (GRCh38, chr17:5,023,717, plus strand): 5'-CGCTGGCTCAAGCAGGAGCAGCTACGGCTGCAGGGACTGCAGGGCTCTGGGGGCCGGGGC[G>C]GGGGGCTGCGCAGGCCCCCAGCCCGCTTTGTGCCCCCTCACGACTGCAAGCTACGCTTCC-3'
Protein context (NP_006603.2, residues 950-970): QGLQGSGGRG[Gly960Arg]GLRRPPARFV